The following is an entry in ClinVar:

NM_016151.4(TAOK2):c.2537T>C (p.Ile846Thr)

Gene: TAOK2 (TAO kinase 2; plus strand). Cytogenetic location: 16p11.2.
Variant type: single nucleotide variant.
Coding change: c.2537T>C on transcript NM_016151.4 (MANE Select); coding-DNA position 2537, T replaced by C.
Protein change: p.Ile846Thr; replaces isoleucine 846 with threonine.
Molecular consequence: missense variant. On other transcripts: intron variant (2).
Genome position (GRCh38, 1-based): chr16:29,986,809, T>C. VCF-style: chr16-29986809-T-C. GRCh37 (hg19) VCF-style: chr16-29998130-T-C.
Other names: c.2232+305T>C (NM_004783.4); c.2233-35T>C (NM_001252043.2); short protein forms I846T.
Identifiers: ClinVar variation 2974261 (VCV002974261.3), dbSNP rs763583385, ClinGen allele CA7998405.

ClinVar aggregate classification (germline): Uncertain significance (1 of 4 stars; one submission).

Allele frequency attached by ClinVar (database versions not stated): ExAC 0.00001.
gnomAD v4.1: 12 of 1,613,888 alleles (0.00074%); highest among the groups gnomAD compares: South Asian, 0.0022%; no homozygotes.

Submission:

Labcorp Genetics (formerly Invitae), Labcorp
Classification: Uncertain significance. Last evaluated: 2023-03-23. Review status: criteria provided, single submitter. Criteria: Invitae Variant Classification Sherloc (09022015). Collection method: clinical testing. Allele origin: germline.
Comment: In summary, the available evidence is currently insufficient to determine the role of this variant in disease. Therefore, it has been classified as a Variant of Uncertain Significance. Algorithms developed to predict the effect of missense changes on protein structure and function output the following: SIFT: "Not Available"; PolyPhen-2: "Benign"; Align-GVGD: "Not Available". The threonine amino acid residue is found in multiple mammalian species, which suggests that this missense change does not adversely affect protein function. This sequence change replaces isoleucine, which is neutral and non-polar, with threonine, which is neutral and polar, at codon 846 of the TAOK2 protein (p.Ile846Thr). This variant is present in population databases (rs763583385, gnomAD 0.006%). This variant has not been reported in the literature in individuals affected with TAOK2-related conditions.